The following is an entry in ClinVar:

NM_020699.4(GATAD2B):c.193A>G (p.Thr65Ala)

Gene: GATAD2B (GATA zinc finger domain containing 2B; minus strand). Cytogenetic location: 1q21.3.
Variant type: single nucleotide variant.
Coding change: c.193A>G on transcript NM_020699.4 (MANE Select); coding-DNA position 193, A replaced by G.
Protein change: p.Thr65Ala; replaces threonine 65 with alanine.
Molecular consequence: missense variant.
Genome position (GRCh38, 1-based): chr1:153,828,155, T>C on the plus strand (A>G on the coding strand, the complement: GATAD2B is on the minus strand). VCF-style: chr1-153828155-T-C. GRCh37 (hg19) VCF-style: chr1-153800631-T-C.
Other names: c.193A>G (NM_020699.3); short protein forms T65A.
Identifiers: ClinVar variation 1346198 (VCV001346198.7), dbSNP rs2101891444, ClinGen allele CA342540780.

ClinVar aggregate classification (germline): Uncertain significance. Review status: criteria provided, multiple submitters, no conflicts (2 of 4 stars). 3 submissions from 3 submitters: Uncertain significance (2). 1 of the submissions does not count toward it. Last evaluated 2023-05-20.

Conditions:
GATAD2B-related disorder. Also called: GATAD2B-related condition.
Severe intellectual disability-poor language-strabismus-grimacing face-long fingers syndrome (GAND). Also called: GAND SYNDROME. Identifiers: Orphanet 363686, MedGen C3554448, MONDO:0014034, OMIM 615074.

Submissions (3):

Neuberg Centre For Genomic Medicine, NCGM
Classification: Uncertain significance for Severe intellectual disability-poor language-strabismus-grimacing face-long fingers syndrome. Last evaluated: 2023-05-20. Review status: criteria provided, single submitter. Criteria: ACMG Guidelines, 2015. Collection method: clinical testing. Allele origin: germline. Inheritance: Autosomal dominant inheritance. Affected: yes.
Comment: The missense variant c.193A>G (p.Thr65Ala) in the GATAD2B gene has not been reported previously as a pathogenic variant nor as a benign variant, to our knowledge. This variant is absent in the gnomAD Exomes. This variant has been reported to the ClinVar database as Uncertain Significance. However, no details are available for independent assessment. The amino acid Threonine at position 65 is changed to an Alanine changing protein sequence and it might alter its composition and physico-chemical properties. Multiple lines of computational evidence (Polyphen, SIFT and MutationTaster) predict no damaging effect on protein structure and function for this variant. The amino acid change p.Thr65Ala in GATAD2B is predicted as conserved by GERP++ and PhyloP across 100 vertebrates. For these reasons, this variant has been classified as Uncertain Significance.

Labcorp Genetics (formerly Invitae), Labcorp
Classification: Uncertain significance. Last evaluated: 2021-04-17. Review status: criteria provided, single submitter. Criteria: Invitae Variant Classification Sherloc (09022015). Collection method: clinical testing. Allele origin: germline.
Comment: In summary, the available evidence is currently insufficient to determine the role of this variant in disease. Therefore, it has been classified as a Variant of Uncertain Significance. Algorithms developed to predict the effect of missense changes on protein structure and function are either unavailable or do not agree on the potential impact of this missense change (SIFT: "Not Available"; PolyPhen-2: "Benign"; Align-GVGD: "Not Available"). This variant has not been reported in the literature in individuals with GATAD2B-related conditions. This variant is not present in population databases (ExAC no frequency). This sequence change replaces threonine with alanine at codon 65 of the GATAD2B protein (p.Thr65Ala). The threonine residue is weakly conserved and there is a small physicochemical difference between threonine and alanine.

PreventionGenetics, part of Exact Sciences
Classification: Uncertain significance for GATAD2B-related condition. Last evaluated: 2024-05-31. Review status: no assertion criteria provided. Collection method: clinical testing. Allele origin: germline. Not counted in ClinVar's aggregate classification.
Comment: The GATAD2B c.193A>G variant is predicted to result in the amino acid substitution p.Thr65Ala. To our knowledge, this variant has not been reported in the literature or in a large population database, indicating this variant is rare. At this time, the clinical significance of this variant is uncertain due to the absence of conclusive functional and genetic evidence.